The following is an entry in ClinVar:

NM_001005361.3(DNM2):c.1400G>A (p.Arg467Gln)

Gene: DNM2 (dynamin 2; plus strand). Cytogenetic location: 19p13.2.
Variant type: single nucleotide variant.
Coding change: c.1400G>A on transcript NM_001005361.3 (MANE Select); coding-DNA position 1400, G replaced by A.
Protein change: p.Arg467Gln; replaces arginine 467 with glutamine.
Molecular consequence: missense variant.
Genome position (GRCh38, 1-based): chr19:10,798,550, G>A. VCF-style: chr19-10798550-G-A. GRCh37 (hg19) VCF-style: chr19-10909226-G-A.
Other names: c.1400G>A, p.Arg467Gln (NM_001005360.3, NM_001005362.3, NM_001190716.2 and 1 more transcripts); short protein forms R467Q.
Identifiers: ClinVar variation 890989 (VCV000890989.15), dbSNP rs776126973, ClinGen allele CA9201137.

ClinVar aggregate classification (germline): Conflicting classifications of pathogenicity. Review status: criteria provided, conflicting classifications (1 of 4 stars). 6 submissions from 5 submitters: Uncertain significance (3); Benign (2); Likely benign (1). Last evaluated 2026-02-27.

Conditions:
DNM2-related disorder. Also called: DNM2-related condition.
Autosomal dominant centronuclear myopathy. Also called: Myopathy, centronuclear, 3; MYOTUBULAR MYOPATHY, AUTOSOMAL DOMINANT. Identifiers: Orphanet 169189, MedGen C4551952, MeSH D020914, MONDO:0008048, OMIM 160150.
Charcot-Marie-Tooth disease dominant intermediate B (CMTDIB). Also called: Charcot-Marie-Tooth disease dominant intermediate 1; CMT DI1; Charcot-Marie-Tooth disease dominant intermediate I; CHARCOT-MARIE-TOOTH NEUROPATHY, DOMINANT INTERMEDIATE B. Identifiers: Orphanet 100044, Orphanet 228179, MedGen C1847902, MONDO:0011674, OMIM 606482.

Allele frequency attached by ClinVar (database versions not stated): gnomAD 0.00001; TOPMed 0.00001; ExAC 0.00002; gnomAD exomes 0.00002.
gnomAD v4.1: 20 of 1,614,096 alleles (0.0012%); highest among the groups gnomAD compares: South Asian, 0.014%; no homozygotes.

Submissions (6):

PreventionGenetics, part of Exact Sciences
Classification: Uncertain significance for DNM2-related condition. Last evaluated: 2026-02-27. Review status: criteria provided, single submitter. Criteria: ACMG Guidelines, 2015. Collection method: clinical testing. Allele origin: germline.
Comment: The DNM2 c.1400G>A variant is predicted to result in the amino acid substitution p.Arg467Gln. To our knowledge, this variant has not been reported in the literature. This variant is reported in 0.016% of alleles in individuals of South Asian descent in gnomAD. At this time, the clinical significance of this variant is uncertain due to the absence of conclusive functional and genetic evidence.

Revvity Omics, Revvity
Classification: Uncertain significance. Last evaluated: 2024-08-16. Review status: criteria provided, single submitter. Criteria: ACMG Guidelines, 2015. Collection method: clinical testing. Allele origin: germline.

Labcorp Genetics (formerly Invitae), Labcorp
Classification: Likely benign for Charcot-Marie-Tooth disease dominant intermediate B. Last evaluated: 2022-07-12. Review status: criteria provided, single submitter. Criteria: Invitae Variant Classification Sherloc (09022015). Collection method: clinical testing. Allele origin: germline.

GeneDx
Classification: Uncertain significance. Last evaluated: 2019-11-19. Review status: criteria provided, single submitter. Criteria: GeneDx Variant Classification Process June 2021. Collection method: clinical testing. Allele origin: germline. Affected: yes.
Comment: In silico analysis, which includes protein predictors and evolutionary conservation, supports that this variant does not alter protein structure/function; Has not been previously published as pathogenic or benign to our knowledge

Illumina Laboratory Services, Illumina
Classification: Benign for Charcot-Marie-Tooth disease dominant intermediate B. Last evaluated: 2018-01-12. Review status: criteria provided, single submitter. Criteria: ICSL Variant Classification Criteria 13 December 2019. Collection method: clinical testing. Allele origin: germline.
Comment: This variant was observed in the ICSL laboratory as part of a predisposition screen in an ostensibly healthy population. It had not been previously curated by ICSL or reported in the Human Gene Mutation Database (HGMD: prior to June 1st, 2018), and was therefore a candidate for classification through an automated scoring system. Utilizing variant allele frequency, disease prevalence and penetrance estimates, and inheritance mode, an automated score was calculated to assess if this variant is too frequent to cause the disease. Based on the score and internal cut-off values, a variant classified as benign is not then subjected to further curation. The score for this variant resulted in a classification of benign for this disease.

Illumina Laboratory Services, Illumina
Classification: Benign for Autosomal dominant centronuclear myopathy. Last evaluated: 2018-01-12. Review status: criteria provided, single submitter. Criteria: ICSL Variant Classification Criteria 13 December 2019. Collection method: clinical testing. Allele origin: germline.
Comment: the same text as in the submission from Illumina Laboratory Services, Illumina above.